The following is an entry in ClinVar:

ClinVar aggregate classification (germline): Pathogenic (1 of 4 stars; one submission).

Conditions:
Ehlers-Danlos syndrome, classic type, 1 (EDSCL1). Also called: EHLERS-DANLOS SYNDROME, GRAVIS TYPE; EHLERS-DANLOS SYNDROME, SEVERE CLASSIC TYPE; Ehlers-Danlos syndrome, type 1; Ehlers-Danlos Syndrome, Classic Type, COL5A1-Related; EDS I. Identifiers: MedGen C0268335, MONDO:0019567, OMIM 130000.
Osteogenesis imperfecta type I (OI1). Also called: OI, TYPE I; OSTEOGENESIS IMPERFECTA TARDA; OSTEOGENESIS IMPERFECTA WITH BLUE SCLERAE; Osteogenesis imperfecta type 1; Lobstein's Disease; Lobstein disease. Identifiers: Orphanet 216796, Orphanet 666, MedGen C0023931, MONDO:0008146, OMIM 166200. Disease mechanism: loss of function.

Submission:

Labcorp Genetics (formerly Invitae), Labcorp
Classification: Pathogenic for Osteogenesis imperfecta type I; Ehlers-Danlos syndrome, classic type, 1. Last evaluated: 2025-07-22. Review status: criteria provided, single submitter. Criteria: Invitae Variant Classification Sherloc (09022015). Collection method: clinical testing. Allele origin: germline.
Comment: This sequence change replaces glycine, which is neutral and non-polar, with serine, which is neutral and polar, at codon 283 of the COL1A2 protein (p.Gly283Ser). This variant is not present in population databases (gnomAD no frequency). This missense change has been observed in individual(s) with osteogenesis imperfecta (PMID: 35909573). Invitae Evidence Modeling of protein sequence and biophysical properties (such as structural, functional, and spatial information, amino acid conservation, physicochemical variation, residue mobility, and thermodynamic stability) indicates that this missense variant is expected to disrupt COL1A2 protein function with a positive predictive value of 95%. This variant disrupts the triple helix domain of COL1A2. Glycine residues within the Gly-Xaa-Yaa repeats of the triple helix domain are required for the structure and stability of fibrillar collagens (PMID: 7695699, 8218237, 19344236). In COL1A2, variants affecting these glycine residues are significantly enriched in individuals with disease (PMID: 9016532, 17078022) compared to the general population (ExAC). For these reasons, this variant has been classified as Pathogenic.

Literature cited by the submitters: PubMed 35909573; PubMed 7695699; PubMed 8218237; PubMed 19344236; PubMed 9016532; PubMed 17078022.

NM_000089.4(COL1A2):c.847G>A (p.Gly283Ser)

Gene: COL1A2 (collagen type I alpha 2 chain; plus strand). Cytogenetic location: 7q21.3.
Variant type: single nucleotide variant.
Coding change: c.847G>A on transcript NM_000089.4 (MANE Select); coding-DNA position 847, G replaced by A.
Protein change: p.Gly283Ser; replaces glycine 283 with serine.
Molecular consequence: missense variant.
Genome position (GRCh38, 1-based): chr7:94,409,376, G>A. VCF-style: chr7-94409376-G-A. GRCh37 (hg19) VCF-style: chr7-94038688-G-A.
Other names: short protein forms G283S.
Identifiers: ClinVar variation 4783359 (VCV004783359.1).